The following is an entry in ClinVar:

NM_014491.4(FOXP2):c.775+1G>A

Gene: FOXP2 (forkhead box P2; plus strand). Cytogenetic location: 7q31.1.
Variant type: single nucleotide variant.
Coding change: c.775+1G>A on transcript NM_014491.4 (MANE Select); the canonical splice donor site of the intron after coding-DNA position 775, G replaced by A.
Molecular consequence: splice donor variant.
Genome position (GRCh38, 1-based): chr7:114,631,706, G>A. VCF-style: chr7-114631706-G-A. GRCh37 (hg19) VCF-style: chr7-114271761-G-A.
Other names: c.772+1G>A (NM_001172766.3); c.850+1G>A (NM_001172767.2, NM_148898.4); c.775+1G>A (NM_148899.3); c.826+1G>A (NM_148900.4).
Identifiers: ClinVar variation 3257357 (VCV003257357.17).

ClinVar aggregate classification (germline): Pathogenic (1 of 4 stars; one submission).

Submission:

CeGaT Center for Human Genetics Tuebingen
Classification: Pathogenic. Last evaluated: 2026-03-01. Review status: criteria provided, single submitter. Criteria: CeGaT Center For Human Genetics Tuebingen Variant Classification Criteria Version 2. Collection method: clinical testing. Allele origin: germline. Affected: yes. Observed: 3 variant alleles.
Comment: FOXP2: PVS1, PM2